The following is an entry in ClinVar:

NM_153252.5(BRWD3):c.304C>T (p.Arg102Trp)

Gene: BRWD3 (bromodomain and WD repeat domain containing 3; minus strand). Cytogenetic location: Xq21.1.
Variant type: single nucleotide variant.
Coding change: c.304C>T on transcript NM_153252.5 (MANE Select); coding-DNA position 304, C replaced by T.
Protein change: p.Arg102Trp; replaces arginine 102 with tryptophan.
Molecular consequence: missense variant.
Genome position (GRCh38, 1-based): chrX:80,793,649, G>A on the plus strand (C>T on the coding strand, the complement: BRWD3 is on the minus strand). VCF-style: chrX-80793649-G-A. GRCh37 (hg19) VCF-style: chrX-80049148-G-A.
Other names: c.304C>T, p.Arg102Trp (NM_001441339.1); short protein forms R102W.
Identifiers: ClinVar variation 4538704 (VCV004538704.1).
Genomic context (GRCh38, chrX:80,793,649, plus strand): 5'-TGATATCACAGTCCTAAATTCTGAAAATCTCACCTTTGGCATCCCGTAGCAGAGACTGCC[G>A]ACCAACACCTAATAATGTCTGTACCCCAGGAACACTCTGAGGGATCTCTTTATCTAGTAA-3'
Protein context (NP_694984.5, residues 92-112): PGVQTLLGVG[Arg102Trp]QSLLRDAKDC

ClinVar aggregate classification (germline): Uncertain significance (1 of 4 stars; one submission).

Submission:

GeneDx
Classification: Uncertain significance. Last evaluated: 2025-06-11. Review status: criteria provided, single submitter. Criteria: GeneDx Variant Classification Process June 2021. Collection method: clinical testing. Allele origin: germline. Affected: yes.
Comment: Not observed at significant frequency in large population cohorts (gnomAD); In silico analysis supports that this missense variant has a deleterious effect on protein structure/function; Has not been previously published as pathogenic or benign to our knowledge